The following is an entry in ClinVar:

NM_001009944.3(PKD1):c.6889C>T (p.His2297Tyr)

Gene: PKD1 (polycystin 1, transient receptor potential channel interacting; minus strand). Cytogenetic location: 16p13.3.
Variant type: single nucleotide variant.
Coding change: c.6889C>T on transcript NM_001009944.3 (MANE Select); coding-DNA position 6889, C replaced by T.
Protein change: p.His2297Tyr; replaces histidine 2297 with tyrosine.
Molecular consequence: missense variant.
Genome position (GRCh38, 1-based): chr16:2,108,278, G>A on the plus strand (C>T on the coding strand, the complement: PKD1 is on the minus strand). VCF-style: chr16-2108278-G-A. GRCh37 (hg19) VCF-style: chr16-2158279-G-A.
Other names: c.6889C>T (NM_000296.3); c.6889C>T, p.His2297Tyr (NM_000296.4); short protein forms H2297Y.
Identifiers: ClinVar variation 1800824 (VCV001800824.4), dbSNP rs1596549834, ClinGen allele CA394372688.

ClinVar aggregate classification (germline): Uncertain significance. Review status: criteria provided, multiple submitters, no conflicts (2 of 4 stars). 3 submissions from 3 submitters: Uncertain significance (3). Last evaluated 2026-04-05.

Conditions:
Inborn genetic diseases. Identifiers: MedGen C0950123, MeSH D030342.

Allele frequency attached by ClinVar (database versions not stated): gnomAD exomes 0.00001.
gnomAD v4.1: 11 of 1,602,394 alleles (0.00069%); highest among the groups gnomAD compares: Non-Finnish European, 0.00094%; no homozygotes.

Submissions (3):

GeneDx
Classification: Uncertain significance. Last evaluated: 2026-04-05. Review status: criteria provided, single submitter. Criteria: GeneDx Variant Classification Process June 2021. Collection method: clinical testing. Allele origin: germline.
Comment: Not observed at significant frequency in large population cohorts (gnomAD); In silico analysis supports that this missense variant has a deleterious effect on protein structure/function; Has not been previously published as pathogenic or benign to our knowledge

Athena Diagnostics
Classification: Uncertain significance. Last evaluated: 2025-07-02. Review status: criteria provided, single submitter. Criteria: Athena Diagnostics Criteria. Collection method: clinical testing. Allele origin: unknown.
Comment: Available data are insufficient to determine the clinical significance of the variant at this time. This variant has not been reported in large, multi-ethnic general populations. This variant has been seen where an alternate explanation for disease was also identified, suggesting this variant may not cause disease. Polyphen and MutationTaster yielded discordant predictions regarding whether this amino acid change is damaging to the protein. The variant is located in a region that is considered important for protein function and/or structure.

Ambry Genetics
Classification: Uncertain significance for Inborn genetic diseases. Last evaluated: 2025-05-13. Review status: criteria provided, single submitter. Criteria: Ambry Variant Classification Scheme 2023. Collection method: clinical testing. Allele origin: germline.